The following is an entry in ClinVar:

ClinVar aggregate classification (germline): Benign. Review status: criteria provided, single submitter (1 of 4 stars). 2 submissions from 2 submitters: Benign (1). 1 of the submissions does not count toward it. Last evaluated 2018-02-27.

Conditions:
Schizophrenia, susceptibility to. Identifiers: MedGen C2675945, MONDO:0100182.

Allele frequency attached by ClinVar (database versions not stated): ExAC 0.59285; gnomAD exomes 0.59312 and 0.59224; TOPMed 0.59691; ESP Exome Variant Server 0.59934; gnomAD 0.60214 and 0.59799; 1000 Genomes Project 0.55871; 1000 Genomes Project 30x 0.56090.

Submissions (2):

GeneDx
Classification: Benign. Last evaluated: 2018-02-27. Review status: criteria provided, single submitter. Criteria: GeneDx Variant Classification (06012015). Collection method: clinical testing. Allele origin: germline. Affected: yes.
Comment: This variant is considered likely benign or benign based on one or more of the following criteria: it is a conservative change, it occurs at a poorly conserved position in the protein, it is predicted to be benign by multiple in silico algorithms, and/or has population frequency not consistent with disease.

OMIM
Classification: risk factor for SCHIZOPHRENIA, SUSCEPTIBILITY TO. Last evaluated: 1997-04-26. Review status: no assertion criteria provided. Collection method: literature only. Allele origin: germline. Not counted in ClinVar's aggregate classification.

Literature cited by the submitters: PubMed 8622505 (cited by OMIM); PubMed 9130948 (cited by OMIM).

NM_000621.5(HTR2A):c.102= (p.Ser34=)

Gene: HTR2A (5-hydroxytryptamine receptor 2A; minus strand). Cytogenetic location: 13q14.2.
Variant type: single nucleotide variant.
Coding change: c.102= on transcript NM_000621.5 (MANE Select); coding-DNA position 102, no change from the reference sequence.
Protein change: p.Ser34=; no amino-acid change (serine 34 retained).
Molecular consequence: no sequence alteration. On other transcripts: intron variant (1).
Genome position: GRCh38 VCF-style: chr13-46895805-G-G. GRCh37 (hg19) VCF-style: chr13-47469940-G-G.
Other names: 102T-C; c.102=, p.Ser34= (NM_001378924.1); c.-78+869= (NM_001165947.5).
Identifiers: ClinVar variation 515935 (VCV000515935.2), dbSNP rs6313.